The following is an entry in ClinVar:

NM_004260.4(RECQL4):c.1211_1212delinsCT (p.Phe404Ser)

Gene: RECQL4 (RecQ like helicase 4; minus strand). Cytogenetic location: 8q24.3.
Variant type: Indel.
Coding change: c.1211_1212delinsCT on transcript NM_004260.4 (MANE Select); coding-DNA positions 1211 to 1212, TC replaced by CT.
Protein change: p.Phe404Ser; replaces phenylalanine 404 with serine.
Molecular consequence: missense variant.
Genome position (GRCh38, 1-based): chr8:144,515,810-144,515,811, GA replaced by AG on the plus strand (TC replaced by CT on the coding strand, the reverse complement: RECQL4 is on the minus strand). VCF-style: chr8-144515810-GA-AG. GRCh37 (hg19) VCF-style: chr8-145741194-GA-AG.
Other names: short protein forms F404S.
Identifiers: ClinVar variation 1487494 (VCV001487494.6), dbSNP rs2130712707, ClinGen allele CA2573142929.

ClinVar aggregate classification (germline): Uncertain significance (1 of 4 stars; one submission).

Conditions:
Baller-Gerold syndrome (BGS). Also called: CRANIOSYNOSTOSIS WITH RADIAL DEFECTS. Identifiers: Orphanet 1225, MedGen C0265308, MONDO:0009039, OMIM 218600.

Submission:

Labcorp Genetics (formerly Invitae), Labcorp
Classification: Uncertain significance for Baller-Gerold syndrome. Last evaluated: 2021-11-07. Review status: criteria provided, single submitter. Criteria: Invitae Variant Classification Sherloc (09022015). Collection method: clinical testing. Allele origin: germline.
Comment: This sequence change replaces phenylalanine, which is neutral and non-polar, with serine, which is neutral and polar, at codon 404 of the RECQL4 protein (p.Phe404Ser). Information on the frequency of this variant in the gnomAD database is not available, as this variant may be reported differently in the database. This variant has not been reported in the literature in individuals affected with RECQL4-related conditions. Algorithms developed to predict the effect of missense changes on protein structure and function (SIFT, PolyPhen-2, Align-GVGD) all suggest that this variant is likely to be tolerated. In summary, the available evidence is currently insufficient to determine the role of this variant in disease. Therefore, it has been classified as a Variant of Uncertain Significance.